The following is an entry in ClinVar:

NM_206933.4(USH2A):c.2258G>A (p.Gly753Asp)

Gene: USH2A (usherin; minus strand). Cytogenetic location: 1q41.
Variant type: single nucleotide variant.
Coding change: c.2258G>A on transcript NM_206933.4 (MANE Select); coding-DNA position 2258, G replaced by A.
Protein change: p.Gly753Asp; replaces glycine 753 with aspartic acid.
Molecular consequence: missense variant.
Genome position (GRCh38, 1-based): chr1:216,247,136, C>T on the plus strand (G>A on the coding strand, the complement: USH2A is on the minus strand). VCF-style: chr1-216247136-C-T. GRCh37 (hg19) VCF-style: chr1-216420478-C-T.
Other names: c.2258G>A, p.Gly753Asp (NM_007123.6); short protein forms G753D.
Identifiers: ClinVar variation 1715796 (VCV001715796.5), dbSNP rs2528163590, ClinGen allele CA344865371.

ClinVar aggregate classification (germline): Uncertain significance (1 of 4 stars; one submission).

Submission:

Labcorp Genetics (formerly Invitae), Labcorp
Classification: Uncertain significance. Last evaluated: 2022-08-09. Review status: criteria provided, single submitter. Criteria: Invitae Variant Classification Sherloc (09022015). Collection method: clinical testing. Allele origin: germline.
Comment: In summary, the available evidence is currently insufficient to determine the role of this variant in disease. Therefore, it has been classified as a Variant of Uncertain Significance. Algorithms developed to predict the effect of missense changes on protein structure and function are either unavailable or do not agree on the potential impact of this missense change (SIFT: "Tolerated"; PolyPhen-2: "Probably Damaging"; Align-GVGD: "Class C0"). This variant has not been reported in the literature in individuals affected with USH2A-related conditions. This variant is not present in population databases (gnomAD no frequency). This sequence change replaces glycine, which is neutral and non-polar, with aspartic acid, which is acidic and polar, at codon 753 of the USH2A protein (p.Gly753Asp).